The following is an entry in ClinVar:

NM_018417.6(ADCY10):c.4547T>C (p.Leu1516Pro)

Gene: ADCY10 (adenylate cyclase 10; minus strand). Cytogenetic location: 1q24.2.
Variant type: single nucleotide variant.
Coding change: c.4547T>C on transcript NM_018417.6 (MANE Select); coding-DNA position 4547, T replaced by C.
Protein change: p.Leu1516Pro; replaces leucine 1516 with proline.
Molecular consequence: missense variant.
Genome position (GRCh38, 1-based): chr1:167,810,849, A>G on the plus strand (T>C on the coding strand, the complement: ADCY10 is on the minus strand). VCF-style: chr1-167810849-A-G. GRCh37 (hg19) VCF-style: chr1-167780086-A-G.
Other names: c.4547T>C (NM_018417.4); c.4088T>C, p.Leu1363Pro (NM_001167749.3); c.4271T>C, p.Leu1424Pro (NM_001297772.2); short protein forms L1363P, L1424P, L1516P.
Identifiers: ClinVar variation 998450 (VCV000998450.7), dbSNP rs186485513, ClinGen allele CA1226989.
Genomic context (GRCh38, chr1:167,810,849, plus strand): 5'-GTGTTCAGGAAGAGGCCACATTTCTGCCCATCTCCCATTAATATACAGACGTAAGCCATC[A>G]GGTGGTAGAGCCTTGGGCAAAAGACAGGGCCAGTGGTATTTTGAGCCACCAGATTCTCCA-3'
Protein context (NP_060887.2, residues 1506-1526): GPVFCPRLYH[Leu1516Pro]MAYVCILMGD

ClinVar aggregate classification (germline): Uncertain significance. Review status: criteria provided, multiple submitters, no conflicts (2 of 4 stars). 3 submissions from 3 submitters: Uncertain significance (3). Last evaluated 2024-06-05.

Conditions:
Familial idiopathic hypercalciuria (HCA2). Also called: Hypercalciuria, absorptive, 2; Hypercalciuria, absorptive, susceptibility to. Identifiers: MedGen C0342639, MONDO:0007748, OMIM 143870.

Allele frequency attached by ClinVar (database versions not stated): TOPMed 0.00006; gnomAD 0.00012 and 0.00013; gnomAD exomes 0.00015 and 0.00016; 1000 Genomes Project 30x 0.00016; ExAC 0.00017; 1000 Genomes Project 0.00020.
gnomAD v4.1: 246 of 1,614,176 alleles (0.015%); highest among the groups gnomAD compares: Non-Finnish European, 0.014%; no homozygotes.

Submissions (3):

Labcorp Genetics (formerly Invitae), Labcorp
Classification: Uncertain significance. Last evaluated: 2024-06-05. Review status: criteria provided, single submitter. Criteria: Invitae Variant Classification Sherloc (09022015). Collection method: clinical testing. Allele origin: germline.
Comment: This sequence change replaces leucine, which is neutral and non-polar, with proline, which is neutral and non-polar, at codon 1516 of the ADCY10 protein (p.Leu1516Pro). This variant is present in population databases (rs186485513, gnomAD 0.08%), and has an allele count higher than expected for a pathogenic variant. This variant has not been reported in the literature in individuals affected with ADCY10-related conditions. ClinVar contains an entry for this variant (Variation ID: 998450). An algorithm developed to predict the effect of missense changes on protein structure and function (PolyPhen-2) suggests that this variant is likely to be disruptive. In summary, the available evidence is currently insufficient to determine the role of this variant in disease. Therefore, it has been classified as a Variant of Uncertain Significance.

Ambry Genetics
Classification: Uncertain significance. Last evaluated: 2023-12-31. Review status: criteria provided, single submitter. Criteria: Ambry Variant Classification Scheme 2023. Collection method: clinical testing. Allele origin: germline.

Fulgent Genetics
Classification: Uncertain significance for Familial idiopathic hypercalciuria. Last evaluated: 2022-05-25. Review status: criteria provided, single submitter. Criteria: ACMG Guidelines, 2015. Collection method: clinical testing. Allele origin: unknown.